The following is an entry in ClinVar:

NM_000717.5(CA4):c.302C>T (p.Ser101Phe)

Gene: CA4 (carbonic anhydrase 4; plus strand). Cytogenetic location: 17q23.1.
Variant type: single nucleotide variant.
Coding change: c.302C>T on transcript NM_000717.5 (MANE Select); coding-DNA position 302, C replaced by T.
Protein change: p.Ser101Phe; replaces serine 101 with phenylalanine.
Molecular consequence: missense variant. On other transcripts: non-coding transcript variant (1).
Genome position (GRCh38, 1-based): chr17:60,157,460, C>T. VCF-style: chr17-60157460-C-T. GRCh37 (hg19) VCF-style: chr17-58234821-C-T.
Other names: short protein forms S101F.
Identifiers: ClinVar variation 1463482 (VCV001463482.6), dbSNP rs1222368586, ClinGen allele CA400454589.
Genomic context (GRCh38, chr17:60,157,460, plus strand): 5'-AGGACTCTGCCCCTTCTGTGCTCCCAGTGATGATGTTGCTGGAGAACAAGGCCAGCATTT[C>T]TGGAGGAGGACTGCCTGCCCCATACCAGGCCAAACAGTTGCACCTGCACTGGTCCGACTT-3'
Protein context (NP_000708.1, residues 91-111): MMLLENKASI[Ser101Phe]GGGLPAPYQA

ClinVar aggregate classification (germline): Uncertain significance (1 of 4 stars; one submission).

Allele frequency attached by ClinVar (database versions not stated): gnomAD exomes 0.00001.
gnomAD v4.1: 4 of 1,614,182 alleles (0.00025%); highest among the groups gnomAD compares: Admixed American, 0.0067%; no homozygotes.

Submission:

Labcorp Genetics (formerly Invitae), Labcorp
Classification: Uncertain significance. Last evaluated: 2024-10-15. Review status: criteria provided, single submitter. Criteria: Invitae Variant Classification Sherloc (09022015). Collection method: clinical testing. Allele origin: germline.
Comment: This sequence change replaces serine with phenylalanine at codon 101 of the CA4 protein (p.Ser101Phe). The serine residue is weakly conserved and there is a large physicochemical difference between serine and phenylalanine. This variant is present in population databases (no rsID available, gnomAD 0.009%). This variant has not been reported in the literature in individuals affected with CA4-related conditions. ClinVar contains an entry for this variant (Variation ID: 1463482). Invitae Evidence Modeling of protein sequence and biophysical properties (such as structural, functional, and spatial information, amino acid conservation, physicochemical variation, residue mobility, and thermodynamic stability) indicates that this missense variant is not expected to disrupt CA4 protein function with a negative predictive value of 80%. In summary, the available evidence is currently insufficient to determine the role of this variant in disease. Therefore, it has been classified as a Variant of Uncertain Significance.